The following is an entry in ClinVar:

NM_006073.4(TRDN):c.744del (p.Glu249fs)

Gene: TRDN (triadin; minus strand). Cytogenetic location: 6q22.31.
Variant type: Deletion.
Coding change: c.744del on transcript NM_006073.4 (MANE Select); coding-DNA position 744, one base deleted (A; older notation c.744delA).
Protein change: p.Glu249fs; shifts the reading frame from glutamic acid 249.
Molecular consequence: frameshift variant.
Genome position (GRCh38, 1-based): chr6:123,503,768, T deleted on the plus strand (A on the coding strand, the reverse complement: TRDN is on the minus strand); the first of 3 consecutive T bases (chr6:123,503,768-123,503,770); deleting any one gives the same sequence. VCF-style (leftmost placement, unchanged base first): chr6-123503767-CT-C. GRCh37 (hg19) VCF-style: chr6-123824912-CT-C.
Other names: c.744del, p.Glu249fs (NM_001251987.2, NM_001256020.2, NM_001256021.2); c.742delA, p.Glu249Lysfs (NM_001407315.1); short protein forms E249fs.
Identifiers: ClinVar variation 2154863 (VCV002154863.2), dbSNP rs2534299544, ClinGen allele CA2580074866.
Genomic context (GRCh38, chr6:123,503,767, plus strand): 5'-CTGAATGTTTACCTTTCTGTTCATGCTTTGACACAGCTGCTTTCTCTTTGTCCTCCTTTT[CT>C]TTGGGTTTTGATGGTGTTTTCTGTACTTCTTTTACTTTTGCAGCTGTTTGCTTCACTTTC-3'

ClinVar aggregate classification (germline): Uncertain significance (1 of 4 stars; one submission).

Conditions:
Catecholaminergic polymorphic ventricular tachycardia 1. Also called: VENTRICULAR TACHYCARDIA, CATECHOLAMINERGIC POLYMORPHIC, 1, WITH OR WITHOUT ATRIAL DYSFUNCTION AND/OR DILATED CARDIOMYOPATHY; RYR2-Related Catecholaminergic Polymorphic Ventricular Tachycardia; VENTRICULAR TACHYCARDIA, STRESS-INDUCED POLYMORPHIC 1. Identifiers: Orphanet 3286, MedGen C1631597, MONDO:0011484, OMIM 604772.

Submission:

Labcorp Genetics (formerly Invitae), Labcorp
Classification: Uncertain significance for Catecholaminergic polymorphic ventricular tachycardia 1. Last evaluated: 2022-11-07. Review status: criteria provided, single submitter. Criteria: Invitae Variant Classification Sherloc (09022015). Collection method: clinical testing. Allele origin: germline.
Comment: In summary, the available evidence is currently insufficient to determine the role of this variant in disease. Therefore, it has been classified as a Variant of Uncertain Significance. This variant has not been reported in the literature in individuals affected with TRDN-related conditions. This variant is not present in population databases (gnomAD no frequency). This sequence change creates a premature translational stop signal (p.Glu249Lysfs*25) in the TRDN gene. It is expected to result in an absent or disrupted protein product. However, the current clinical and genetic evidence is not sufficient to establish whether loss-of-function variants in TRDN cause disease.